The following is an entry in ClinVar:

NM_172107.4(KCNQ2):c.1203T>C (p.Ser401=)

Gene: KCNQ2 (potassium voltage-gated channel subfamily Q member 2; minus strand). Cytogenetic location: 20q13.33.
Variant type: single nucleotide variant.
Coding change: c.1203T>C on transcript NM_172107.4 (MANE Select); coding-DNA position 1203, T replaced by C.
Protein change: p.Ser401=; no amino-acid change (serine 401 retained).
Molecular consequence: synonymous variant.
Genome position (GRCh38, 1-based): chr20:63,428,381, A>G on the plus strand (T>C on the coding strand, the complement: KCNQ2 is on the minus strand). VCF-style: chr20-63428381-A-G. GRCh37 (hg19) VCF-style: chr20-62059734-A-G.
Other names: c.1173T>C, p.Ser391= (NM_004518.6); c.1203T>C, p.Ser401= (NM_172106.3, NM_172108.5).
Identifiers: ClinVar variation 369789 (VCV000369789.11), dbSNP rs756007198, ClinGen allele CA9958574.

ClinVar aggregate classification (germline): Likely benign. Review status: criteria provided, single submitter (1 of 4 stars). 2 submissions from 2 submitters: Likely benign (1). 1 of the submissions does not count toward it. Last evaluated 2025-10-01.

Conditions:
Early-infantile DEE. Also called: Early infantile epileptic encephalopathy; Ohtahara syndrome; Early infantile epileptic encephalopathy with suppression bursts. Identifiers: Orphanet 1934, MedGen C0393706, MONDO:0800491.
Developmental and epileptic encephalopathy, 7 (DEE7). Also called: KCNQ2-Related Neonatal Epileptic Encephalopathy; Early infantile epileptic encephalopathy 7; KCNQ2-Related Neonatal-Onset Developmental and Epileptic Encephalopathy (NEO-DEE). Identifiers: Orphanet 439218, MedGen C3150986, MONDO:0013387, OMIM 613720.

Allele frequency attached by ClinVar (database versions not stated): gnomAD exomes below 0.00001 and 0.00002; TOPMed below 0.00001; gnomAD 0.00001; ExAC 0.00004.
gnomAD v4.1: 8 of 1,575,168 alleles (0.00051%); highest among the groups gnomAD compares: African/African-American, 0.0094%; no homozygotes.

Submissions (2):

Labcorp Genetics (formerly Invitae), Labcorp
Classification: Likely benign for Early-infantile DEE. Last evaluated: 2025-10-01. Review status: criteria provided, single submitter. Criteria: Invitae Variant Classification Sherloc (09022015). Collection method: clinical testing. Allele origin: germline.

GeneReviews
No classification provided. Condition: Developmental and epileptic encephalopathy, 7. Review status: no classification provided. Collection method: literature only. Allele origin: germline. Affected: yes. Not counted in ClinVar's aggregate classification.
Comment: EE (epileptic encephalopathy)

Literature cited by the submitters: PubMed 25959266 (cited by GeneReviews); NCBI Bookshelf NBK32534 (cited by GeneReviews).